The following is an entry in ClinVar:

NM_005148.4(UNC119):c.415C>T (p.Arg139Cys)

Gene: UNC119 (unc-119 lipid binding chaperone; minus strand). Cytogenetic location: 17q11.2.
Variant type: single nucleotide variant.
Coding change: c.415C>T on transcript NM_005148.4 (MANE Select); coding-DNA position 415, C replaced by T.
Protein change: p.Arg139Cys; replaces arginine 139 with cysteine.
Molecular consequence: missense variant.
Genome position (GRCh38, 1-based): chr17:28,548,021, G>A on the plus strand (C>T on the coding strand, the complement: UNC119 is on the minus strand). VCF-style: chr17-28548021-G-A. GRCh37 (hg19) VCF-style: chr17-26875039-G-A.
Other names: c.130C>T, p.Arg44Cys (NM_001330166.2); c.415C>T, p.Arg139Cys (NM_054035.2); short protein forms R44C, R139C.
Identifiers: ClinVar variation 1468738 (VCV001468738.6), dbSNP rs754193171, ClinGen allele CA8459807.

ClinVar aggregate classification (germline): Uncertain significance (1 of 4 stars; one submission).

gnomAD v4.1: 41 of 1,613,724 alleles (0.0025%); highest among the groups gnomAD compares: Admixed American, 0.01%; no homozygotes.

Submission:

Labcorp Genetics (formerly Invitae), Labcorp
Classification: Uncertain significance. Last evaluated: 2024-04-09. Review status: criteria provided, single submitter. Criteria: Invitae Variant Classification Sherloc (09022015). Collection method: clinical testing. Allele origin: germline.
Comment: This sequence change replaces arginine, which is basic and polar, with cysteine, which is neutral and slightly polar, at codon 139 of the UNC119 protein (p.Arg139Cys). This variant is present in population databases (rs754193171, gnomAD 0.02%). This variant has not been reported in the literature in individuals affected with UNC119-related conditions. ClinVar contains an entry for this variant (Variation ID: 1468738). An algorithm developed to predict the effect of missense changes on protein structure and function (PolyPhen-2) suggests that this variant is likely to be disruptive. In summary, the available evidence is currently insufficient to determine the role of this variant in disease. Therefore, it has been classified as a Variant of Uncertain Significance.